The following is an entry in ClinVar:

ClinVar aggregate classification (germline): Uncertain significance (1 of 4 stars; one submission).

gnomAD v4.1: 9 of 1,612,944 alleles (0.00056%); highest among the groups gnomAD compares: South Asian, 0.0011%; no homozygotes.

Submission:

Ambry Genetics
Classification: Uncertain significance. Last evaluated: 2025-10-15. Review status: criteria provided, single submitter. Criteria: Ambry Variant Classification Scheme 2023. Collection method: clinical testing. Allele origin: germline.
Comment: The p.E113* variant (also known as c.337G>T), located in coding exon 2 of the ATRIP gene, results from a G to T substitution at nucleotide position 337. This changes the amino acid from a glutamic acid to a stop codon within coding exon 2. The evidence for this gene-disease relationship is limited; therefore, the clinical significance of this alteration is unclear.

NM_130384.3(ATRIP):c.337G>T (p.Glu113Ter)

Genes: ATRIP (ATR interacting protein; plus strand), ATRIP-TREX1 (ATRIP-TREX1 readthrough; plus strand). Cytogenetic location: 3p21.31.
Variant type: single nucleotide variant.
Coding change: c.337G>T on transcript NM_130384.3 (MANE Select); coding-DNA position 337, G replaced by T.
Protein change: p.Glu113Ter; replaces glutamic acid 113 with a stop codon.
Molecular consequence: nonsense. On other transcripts: non-coding transcript variant (1), 5 prime UTR variant (1).
Genome position (GRCh38, 1-based): chr3:48,450,126, G>T. VCF-style: chr3-48450126-G-T. GRCh37 (hg19) VCF-style: chr3-48491532-G-T.
Other names: c.-128G>T (NM_001271022.2); c.58G>T, p.Glu20Ter (NM_001271023.2); c.337G>T, p.Glu113Ter (NM_032166.4); short protein forms E113*, E20*.
Identifiers: ClinVar variation 4644503 (VCV004644503.1).